The following is an entry in ClinVar:

NM_001080510.5(METTL23):c.417G>T (p.Trp139Cys)

Gene: METTL23 (methyltransferase 23, arginine; plus strand). Cytogenetic location: 17q25.1.
Variant type: single nucleotide variant.
Coding change: c.417G>T on transcript NM_001080510.5 (MANE Select); coding-DNA position 417, G replaced by T.
Protein change: p.Trp139Cys; replaces tryptophan 139 with cysteine.
Molecular consequence: missense variant. On other transcripts: non-coding transcript variant (1).
Genome position (GRCh38, 1-based): chr17:76,733,530, G>T. VCF-style: chr17-76733530-G-T. GRCh37 (hg19) VCF-style: chr17-74729612-G-T.
Other names: c.417G>T, p.Trp139Cys (NM_001206983.3, NM_001206984.3, NM_001302703.2 and 2 more transcripts); c.216G>T, p.Trp72Cys (NM_001206985.3, NM_001206986.3, NM_001206987.3 and 2 more transcripts); c.405G>T, p.Trp135Cys (NM_001302705.2, NM_001378350.1, NM_001378351.1 and 2 more transcripts); short protein forms W135C, W72C, W139C.
Identifiers: ClinVar variation 1032599 (VCV001032599.1), dbSNP rs2077335572, ClinGen allele CA401188546.

ClinVar aggregate classification (germline): Uncertain significance (1 of 4 stars; one submission).

Conditions:
Intellectual developmental disorder, autosomal recessive 44. Also called: Intellectual disability, autosomal recessive 44. Identifiers: Orphanet 88616, MedGen C4014745, MONDO:0014409, OMIM 615942.

Submission:

Baylor Genetics
Classification: Uncertain significance for Intellectual developmental disorder, autosomal recessive 44. Last evaluated: 2018-03-15. Review status: criteria provided, single submitter. Criteria: ACMG Guidelines, 2015. Collection method: clinical testing. Allele origin: unknown. Affected: yes.
Comment: This variant was determined to be of uncertain significance according to ACMG Guidelines, 2015 [PMID:25741868].